The following is an entry in ClinVar:

NM_001171.6(ABCC6):c.1684A>G (p.Met562Val)

Gene: ABCC6 (ATP binding cassette subfamily C member 6; minus strand). Cytogenetic location: 16p13.11.
Variant type: single nucleotide variant.
Coding change: c.1684A>G on transcript NM_001171.6 (MANE Select); coding-DNA position 1684, A replaced by G.
Protein change: p.Met562Val; replaces methionine 562 with valine.
Molecular consequence: missense variant. On other transcripts: non-coding transcript variant (1).
Genome position (GRCh38, 1-based): chr16:16,188,926, T>C on the plus strand (A>G on the coding strand, the complement: ABCC6 is on the minus strand). VCF-style: chr16-16188926-T-C. GRCh37 (hg19) VCF-style: chr16-16282783-T-C.
Other names: c.1342A>G, p.Met448Val (NM_001351800.1); short protein forms M448V, M562V.
Identifiers: ClinVar variation 1976496 (VCV001976496.4), dbSNP rs575023438, ClinGen allele CA7926201.

ClinVar aggregate classification (germline): Uncertain significance (1 of 4 stars; one submission).

Allele frequency attached by ClinVar (database versions not stated): gnomAD 0.00001; ExAC 0.00002; 1000 Genomes Project 0.00020; 1000 Genomes Project 30x 0.00031.
gnomAD v4.1: 5 of 1,614,080 alleles (0.00031%); highest among the groups gnomAD compares: Admixed American, 0.0033%; no homozygotes.

Submission:

Labcorp Genetics (formerly Invitae), Labcorp
Classification: Uncertain significance. Last evaluated: 2022-07-07. Review status: criteria provided, single submitter. Criteria: Invitae Variant Classification Sherloc (09022015). Collection method: clinical testing. Allele origin: germline.
Comment: In summary, the available evidence is currently insufficient to determine the role of this variant in disease. Therefore, it has been classified as a Variant of Uncertain Significance. This sequence change replaces methionine, which is neutral and non-polar, with valine, which is neutral and non-polar, at codon 562 of the ABCC6 protein (p.Met562Val). This variant is present in population databases (rs575023438, gnomAD 0.003%). This variant has not been reported in the literature in individuals affected with ABCC6-related conditions. Algorithms developed to predict the effect of missense changes on protein structure and function output the following: SIFT: "Deleterious"; PolyPhen-2: "Benign"; Align-GVGD: "Class C0". The valine amino acid residue is found in multiple mammalian species, which suggests that this missense change does not adversely affect protein function.